The following is an entry in ClinVar:

ClinVar aggregate classification (germline): Uncertain significance (1 of 4 stars; one submission).

Conditions:
Short-rib thoracic dysplasia 6 with or without polydactyly (SRTD6). Also called: POLYDACTYLY WITH NEONATAL CHONDRODYSTROPHY, TYPE II; SHORT-RIB THORACIC DYSPLASIA 6 WITHOUT POLYDACTYLY; SHORT-RIB THORACIC DYSPLASIA 6 WITH POLYDACTYLY; Majewski Syndrome; SHORT RIB-POLYDACTYLY SYNDROME, TYPE IIA. Identifiers: MedGen C0024507, MONDO:0009894, OMIM 263520.

Allele frequency attached by ClinVar (database versions not stated): gnomAD exomes below 0.00001.
gnomAD v4.1: 1 of 1,610,484 alleles (0.000062%); highest among the groups gnomAD compares: Non-Finnish European, 0.000085%; no homozygotes.

Submission:

Labcorp Genetics (formerly Invitae), Labcorp
Classification: Uncertain significance for Short-rib thoracic dysplasia 6 with or without polydactyly. Last evaluated: 2023-12-10. Review status: criteria provided, single submitter. Criteria: Invitae Variant Classification Sherloc (09022015). Collection method: clinical testing. Allele origin: germline.
Comment: This sequence change replaces lysine, which is basic and polar, with glutamic acid, which is acidic and polar, at codon 376 of the NEK1 protein (p.Lys376Glu). This variant is not present in population databases (gnomAD no frequency). This variant has not been reported in the literature in individuals affected with NEK1-related conditions. Advanced modeling of protein sequence and biophysical properties (such as structural, functional, and spatial information, amino acid conservation, physicochemical variation, residue mobility, and thermodynamic stability) performed at Invitae indicates that this missense variant is not expected to disrupt NEK1 protein function with a negative predictive value of 95%. In summary, the available evidence is currently insufficient to determine the role of this variant in disease. Therefore, it has been classified as a Variant of Uncertain Significance.

NM_001199397.3(NEK1):c.1126A>G (p.Lys376Glu)

Gene: NEK1 (NIMA related kinase 1; minus strand). Cytogenetic location: 4q33.
Variant type: single nucleotide variant.
Coding change: c.1126A>G on transcript NM_001199397.3 (MANE Select); coding-DNA position 1126, A replaced by G.
Protein change: p.Lys376Glu; replaces lysine 376 with glutamic acid.
Molecular consequence: missense variant. On other transcripts: non-coding transcript variant (2).
Genome position (GRCh38, 1-based): chr4:169,561,846, T>C on the plus strand (A>G on the coding strand, the complement: NEK1 is on the minus strand). VCF-style: chr4-169561846-T-C. GRCh37 (hg19) VCF-style: chr4-170482997-T-C.
Other names: c.1126A>G, p.Lys376Glu (NM_001199398.3, NM_001199399.3, NM_001199400.3 and 7 more transcripts); short protein forms K376E.
Identifiers: ClinVar variation 2702133 (VCV002702133.3), dbSNP rs2546792404, ClinGen allele CA358734561.